The following is an entry in ClinVar:

NM_025219.3(DNAJC5):c.*3629A>G

Gene: DNAJC5 (DnaJ heat shock protein family (Hsp40) member C5; plus strand). Cytogenetic location: 20q13.33.
Variant type: single nucleotide variant.
Coding change: c.*3629A>G on transcript NM_025219.3 (MANE Select); 3629 bases downstream of the stop codon, A replaced by G.
Molecular consequence: 3 prime UTR variant.
Genome position (GRCh38, 1-based): chr20:63,935,197, A>G. VCF-style: chr20-63935197-A-G. GRCh37 (hg19) VCF-style: chr20-62566550-A-G.
Identifiers: ClinVar variation 339431 (VCV000339431.6), dbSNP rs73136585, ClinGen allele CA10653420.
Genomic context (GRCh38, chr20:63,935,197, plus strand): 5'-AGCAACAGTTTGCGTCGTCACATGCTGTGAGTGTGGGCTGTGGTGTGTCCGTGTGTGTAC[A>G]TATGTGTATATGTATATATCACGCAGCAGGAGTGTCATTCATGCTGCTGTCCCCTGGTGA-3'

ClinVar aggregate classification (germline): Likely benign (1 of 4 stars; one submission).

Conditions:
Ceroid lipofuscinosis, neuronal, 4 (Kufs type) (CLN4). Also called: Neuronal ceroid lipofuscinosis 4B; Ceroid lipofuscinosis, neuronal, 4, Parry type. Identifiers: Orphanet 228343, Orphanet 79262, MedGen C1834207, MONDO:0008083, OMIM 162350.

Allele frequency attached by ClinVar (database versions not stated): 1000 Genomes Project 30x 0.00094; 1000 Genomes Project 0.00100; TOPMed 0.00515; gnomAD 0.00564 and 0.00578.

Submission:

Illumina Laboratory Services, Illumina
Classification: Likely benign for Ceroid lipofuscinosis, neuronal, 4 (Kufs type). Last evaluated: 2018-01-13. Review status: criteria provided, single submitter. Criteria: ICSL Variant Classification Criteria 13 December 2019. Collection method: clinical testing. Allele origin: germline.
Comment: This variant was observed in the ICSL laboratory as part of a predisposition screen in an ostensibly healthy population. It had not been previously curated by ICSL or reported in the Human Gene Mutation Database (HGMD: prior to June 1st, 2018), and was therefore a candidate for classification through an automated scoring system. Utilizing variant allele frequency, disease prevalence and penetrance estimates, and inheritance mode, an automated score was calculated to assess if this variant is too frequent to cause the disease. Based on the score and internal cut-off values, a variant classified as likely benign is not then subjected to further curation. The score for this variant resulted in a classification of likely benign for this disease.